The following is an entry in ClinVar:

NM_000548.5(TSC2):c.164A>T (p.Asn55Ile)

Gene: TSC2 (TSC complex subunit 2; plus strand). Cytogenetic location: 16p13.3.
Variant type: single nucleotide variant.
Coding change: c.164A>T on transcript NM_000548.5 (MANE Select); coding-DNA position 164, A replaced by T.
Protein change: p.Asn55Ile; replaces asparagine 55 with isoleucine.
Molecular consequence: missense variant. On other transcripts: 5 prime UTR variant (1).
Genome position (GRCh38, 1-based): chr16:2,050,425, A>T. VCF-style: chr16-2050425-A-T. GRCh37 (hg19) VCF-style: chr16-2100426-A-T.
Other names: c.164A>T, p.Asn55Ile (NM_001077183.3, NM_001114382.3, NM_001318827.2 and 4 more transcripts); c.17A>T, p.Asn6Ile (NM_001318829.2); c.-63A>T (NM_001318831.2); c.197A>T, p.Asn66Ile (NM_001318832.2); short protein forms N6I, N66I, N55I.
Identifiers: ClinVar variation 819747 (VCV000819747.4), dbSNP rs1555495709, ClinGen allele CA394303218.

ClinVar aggregate classification (germline): Uncertain significance (1 of 4 stars; one submission).

Conditions:
Hereditary cancer-predisposing syndrome. Also called: Neoplastic Syndromes, Hereditary; Tumor predisposition; Hereditary Cancer Syndrome; Hereditary neoplastic syndrome. Identifiers: Orphanet 140162, MedGen C0027672, MeSH D009386, MONDO:0015356.

Submission:

Ambry Genetics
Classification: Uncertain significance for Hereditary cancer-predisposing syndrome. Last evaluated: 2019-08-07. Review status: criteria provided, single submitter. Criteria: Ambry Variant Classification Scheme 2023. Collection method: clinical testing. Allele origin: germline.
Comment: The p.N55I variant (also known as c.164A>T), located in coding exon 2 of the TSC2 gene, results from an A to T substitution at nucleotide position 164. The asparagine at codon 55 is replaced by isoleucine, an amino acid with dissimilar properties. This amino acid position is poorly conserved in available vertebrate species. In addition, the in silico prediction for this alteration is inconclusive. Since supporting evidence is limited at this time, the clinical significance of this alteration remains unclear.